The following is an entry in ClinVar:

ClinVar aggregate classification (germline): Uncertain significance (1 of 4 stars; one submission).

Submission:

Labcorp Genetics (formerly Invitae), Labcorp
Classification: Uncertain significance. Last evaluated: 2024-07-01. Review status: criteria provided, single submitter. Criteria: Invitae Variant Classification Sherloc (09022015). Collection method: clinical testing. Allele origin: germline.
Comment: This variant, c.972_974del, results in the deletion of 1 amino acid(s) of the DTNBP1 protein (p.Glu325del), but otherwise preserves the integrity of the reading frame. This variant is present in population databases (rs763836335, gnomAD 0.006%). This variant has not been reported in the literature in individuals affected with DTNBP1-related conditions. Experimental studies and prediction algorithms are not available or were not evaluated, and the functional significance of this variant is currently unknown. In summary, the available evidence is currently insufficient to determine the role of this variant in disease. Therefore, it has been classified as a Variant of Uncertain Significance.

NM_032122.5(DTNBP1):c.969GGA[1] (p.Glu325del)

Gene: DTNBP1 (dystrobrevin binding protein 1; minus strand). Cytogenetic location: 6p22.3.
Variant type: Microsatellite.
Coding change: c.969GGA[1] on transcript NM_032122.5 (MANE Select); one copy of the 3-base unit GGA starting at c.969; the reference has two copies in a row; one copy, 3 bases deleted.
Protein change: p.Glu325del; deletes glutamic acid 325.
Molecular consequence: inframe deletion.
Genome position (GRCh38, 1-based): chr6:15,523,057-15,523,059, TCC deleted on the plus strand (GGA on the coding strand, the reverse complement: DTNBP1 is on the minus strand); deleting any 3 consecutive bases within chr6:15,523,057-15,523,064 gives the same sequence; the position shown is the placement nearest the transcript's 3' end. VCF-style (leftmost placement, unchanged base first): chr6-15523056-TTCC-T. GRCh37 (hg19) VCF-style: chr6-15523287-TTCC-T.
Other names: c.726GGA[1], p.Glu244del (NM_001271667.2); c.918GGA[1], p.Glu308del (NM_001271668.2); c.864GGA[1], p.Glu290del (NM_001271669.2); short protein forms E244del, E290del, E325del, E308del.
Identifiers: ClinVar variation 1515278 (VCV001515278.6), dbSNP rs762760469, ClinGen allele CA3643664.